The following is an entry in ClinVar:

NM_000187.4(HGD):c.454G>A (p.Gly152Arg)

Gene: HGD (homogentisate 1,2-dioxygenase; minus strand). Cytogenetic location: 3q13.33.
Variant type: single nucleotide variant.
Coding change: c.454G>A on transcript NM_000187.4 (MANE Select); coding-DNA position 454, G replaced by A.
Protein change: p.Gly152Arg; replaces glycine 152 with arginine.
Molecular consequence: missense variant.
Genome position (GRCh38, 1-based): chr3:120,647,892, C>T on the plus strand (G>A on the coding strand, the complement: HGD is on the minus strand). VCF-style: chr3-120647892-C-T. GRCh37 (hg19) VCF-style: chr3-120366739-C-T.
Other names: short protein forms G152R.
Identifiers: ClinVar variation 2626851 (VCV002626851.2), dbSNP rs2472705545, ClinGen allele CA354077401.

ClinVar aggregate classification (germline): Uncertain significance. Review status: criteria provided, single submitter (1 of 4 stars). 2 submissions from 2 submitters: Uncertain significance (1). 1 of the submissions does not count toward it. Last evaluated 2025-12-23.

Conditions:
Alkaptonuria (AKU). Also called: Alcaptonuria; HOMOGENTISIC ACID OXIDASE DEFICIENCY; Homogentisic acidura; Alkaptonuric ochronosis. Identifiers: Orphanet 56, MedGen C0002066, MONDO:0008753, OMIM 203500.

Submissions (2):

Myriad Genetics, Inc.
Classification: Uncertain significance for Alkaptonuria. Last evaluated: 2025-12-23. Review status: criteria provided, single submitter. Criteria: Myriad Autosomal Dominant, Autosomal Recessive and X-Linked Classification Criteria (2023). Collection method: clinical testing. Allele origin: unknown.
Comment: NM_000187.3(HGD):c.454G>A(G152R) is a missense variant classified as a variant of uncertain significance in the context of alkaptonuria. G152R has been observed in a case with relevant disease (PMID: 30737480). Relevant functional assessments of this variant are not available in the literature. G152R has not been observed in referenced population frequency databases. In summary, there is insufficient evidence to classify NM_000187.3(HGD):c.454G>A(G152R) as pathogenic or benign. Please note: this variant was assessed in the context of healthy population screening.

Department Of Human Genetics, Institute Of Clinical And Translational Research, Biomedical Research Center, Slovak Academy Of Sciences
Classification: Pathogenic for Alkaptonuria. Review status: no assertion criteria provided. Collection method: research. Allele origin: germline. Inheritance: Autosomal recessive inheritance. Affected: yes. Observed: 1 variant allele. Not counted in ClinVar's aggregate classification.
Comment: The variant was originally described in AKU patient in PMID:30737480. It has been submitted to the HGD gene mutation database (DB-ID: AKU_00174).

Literature cited by the submitters: PubMed 30737480 (cited by Myriad Genetics, Inc. and Department Of Human Genetics, Institute Of Clinical And Translational Research, Biomedical Research Center, Slovak Academy Of Sciences).